The following is an entry in ClinVar:

ClinVar aggregate classification (germline): Uncertain significance (1 of 4 stars; one submission).

Conditions:
Inborn genetic diseases. Identifiers: MedGen C0950123, MeSH D030342.

gnomAD v4.1: 1 of 1,614,026 alleles (0.000062%); highest among the groups gnomAD compares: Non-Finnish European, 0.000085%; no homozygotes.

Submission:

Ambry Genetics
Classification: Uncertain significance for Inborn genetic diseases. Last evaluated: 2024-12-21. Review status: criteria provided, single submitter. Criteria: Ambry Variant Classification Scheme 2023. Collection method: clinical testing. Allele origin: germline.
Comment: The p.S146C variant (also known as c.437C>G), located in coding exon 6 of the ASXL1 gene, results from a C to G substitution at nucleotide position 437. The serine at codon 146 is replaced by cysteine, an amino acid with dissimilar properties. This amino acid position is conserved. In addition, this alteration is predicted to be tolerated by in silico analysis. Based on the available evidence, the clinical significance of this variant remains unclear.

NM_015338.6(ASXL1):c.437C>G (p.Ser146Cys)

Gene: ASXL1 (ASXL transcriptional regulator 1; plus strand). Cytogenetic location: 20q11.21.
Variant type: single nucleotide variant.
Coding change: c.437C>G on transcript NM_015338.6 (MANE Select); coding-DNA position 437, C replaced by G.
Protein change: p.Ser146Cys; replaces serine 146 with cysteine.
Molecular consequence: missense variant.
Genome position (GRCh38, 1-based): chr20:32,428,388, C>G. VCF-style: chr20-32428388-C-G. GRCh37 (hg19) VCF-style: chr20-31016191-C-G.
Other names: c.407C>G, p.Ser136Cys (NM_001363734.1); short protein forms S146C, S136C.
Identifiers: ClinVar variation 3791587 (VCV003791587.1).